The following is an entry in ClinVar:

NM_003803.4(MYOM1):c.1133A>G (p.Glu378Gly)

Gene: MYOM1 (myomesin 1; minus strand). Cytogenetic location: 18p11.31.
Variant type: single nucleotide variant.
Coding change: c.1133A>G on transcript NM_003803.4 (MANE Select); coding-DNA position 1133, A replaced by G.
Protein change: p.Glu378Gly; replaces glutamic acid 378 with glycine.
Molecular consequence: missense variant.
Genome position (GRCh38, 1-based): chr18:3,173,979, T>C on the plus strand (A>G on the coding strand, the complement: MYOM1 is on the minus strand). VCF-style: chr18-3173979-T-C. GRCh37 (hg19) VCF-style: chr18-3173977-T-C.
Other names: c.1133A>G, p.Glu378Gly (NM_019856.2); short protein forms E378G.
Identifiers: ClinVar variation 1388782 (VCV001388782.6), dbSNP rs2144089219, ClinGen allele CA401715554.

ClinVar aggregate classification (germline): Uncertain significance (1 of 4 stars; one submission).

Conditions:
Hypertrophic cardiomyopathy. Also called: HYPERTROPHIC MYOCARDIOPATHY. Identifiers: Orphanet 217569, MedGen C0007194, MeSH D002312, MONDO:0005045, HP:0001639.

Submission:

Labcorp Genetics (formerly Invitae), Labcorp
Classification: Uncertain significance for Hypertrophic cardiomyopathy. Last evaluated: 2021-10-23. Review status: criteria provided, single submitter. Criteria: Invitae Variant Classification Sherloc (09022015). Collection method: clinical testing. Allele origin: germline.
Comment: This sequence change replaces glutamic acid, which is acidic and polar, with glycine, which is neutral and non-polar, at codon 378 of the MYOM1 protein (p.Glu378Gly). This variant is not present in population databases (gnomAD no frequency). This variant has not been reported in the literature in individuals affected with MYOM1-related conditions. Algorithms developed to predict the effect of missense changes on protein structure and function (SIFT, PolyPhen-2, Align-GVGD) all suggest that this variant is likely to be tolerated. In summary, the available evidence is currently insufficient to determine the role of this variant in disease. Therefore, it has been classified as a Variant of Uncertain Significance.